The following is an entry in ClinVar:

NM_004370.6(COL12A1):c.4827+3A>G

Gene: COL12A1 (collagen type XII alpha 1 chain; minus strand). Cytogenetic location: 6q13.
Variant type: single nucleotide variant.
Coding change: c.4827+3A>G on transcript NM_004370.6 (MANE Select); 3 bases into the intron after coding-DNA position 4827, A replaced by G.
Molecular consequence: intron variant.
Genome position (GRCh38, 1-based): chr6:75,143,249, T>C on the plus strand (A>G on the coding strand, the complement: COL12A1 is on the minus strand). VCF-style: chr6-75143249-T-C. GRCh37 (hg19) VCF-style: chr6-75852965-T-C.
Other names: c.1335+3A>G (NM_080645.3).
Identifiers: ClinVar variation 2036058 (VCV002036058.4), dbSNP rs2533345268, ClinGen allele CA2580075797.
Genomic context (GRCh38, chr6:75,143,249, plus strand): 5'-GTTCTTTTTTTAAACCTACTAGGAAAACAAATATTTTCATATCTACTATCATCTTCAACC[T>C]ACCTCTTTGACATCCTCTTCTGGTGTTTTGTATCGAACAATATATTTACGCACTTTTCCA-3'

ClinVar aggregate classification (germline): Uncertain significance (1 of 4 stars; one submission).

Conditions:
Ullrich congenital muscular dystrophy 2 (UCMD2). Identifiers: Orphanet 75840, MedGen C4225314, MONDO:0014654, OMIM 616470.
Bethlem myopathy 2 (BTHLM2). Identifiers: Orphanet 536516, Orphanet 610, MedGen C4225313, MONDO:0034022, OMIM 616471.

Submission:

Labcorp Genetics (formerly Invitae), Labcorp
Classification: Uncertain significance for Bethlem myopathy 2; Ullrich congenital muscular dystrophy 2. Last evaluated: 2022-10-19. Review status: criteria provided, single submitter. Criteria: Invitae Variant Classification Sherloc (09022015). Collection method: clinical testing. Allele origin: germline.
Comment: This sequence change falls in intron 26 of the COL12A1 gene. It does not directly change the encoded amino acid sequence of the COL12A1 protein. It affects a nucleotide within the consensus splice site. This variant is not present in population databases (gnomAD no frequency). This variant has not been reported in the literature in individuals affected with COL12A1-related conditions. Variants that disrupt the consensus splice site are a relatively common cause of aberrant splicing (PMID: 17576681, 9536098). Algorithms developed to predict the effect of sequence changes on RNA splicing suggest that this variant is not likely to affect RNA splicing. In summary, the available evidence is currently insufficient to determine the role of this variant in disease. Therefore, it has been classified as a Variant of Uncertain Significance.

Literature cited by the submitters: PubMed 17576681; PubMed 9536098.